The following is an entry in ClinVar:

NM_014317.5(PDSS1):c.74C>T (p.Ser25Phe)

Gene: PDSS1 (decaprenyl diphosphate synthase subunit 1; plus strand). Cytogenetic location: 10p12.1.
Variant type: single nucleotide variant.
Coding change: c.74C>T on transcript NM_014317.5 (MANE Select); coding-DNA position 74, C replaced by T.
Protein change: p.Ser25Phe; replaces serine 25 with phenylalanine.
Molecular consequence: missense variant. On other transcripts: 5 prime UTR variant (1).
Genome position (GRCh38, 1-based): chr10:26,697,785, C>T. VCF-style: chr10-26697785-C-T. GRCh37 (hg19) VCF-style: chr10-26986714-C-T.
Other names: p.S25F:TCC>TTC; c.74C>T, p.Ser25Phe (NM_001321978.2); c.-520C>T (NM_001321979.2); short protein forms S25F.
Identifiers: ClinVar variation 214980 (VCV000214980.5), dbSNP rs863224160, ClinGen allele CA324888.
Genomic context (GRCh38, chr10:26,697,785, plus strand): 5'-GGTGGCGGTGGCGGCGCGGCTGCTCCTGGAAGCCGGCGGCGCGGAGCCCCGGGCCCGGCT[C>T]CCCCGGCCGTGCGGGACCGTTGGGGCCGAGCGCCGCTGCCGAAGTCCGCGCGCAGGTGAG-3'
Protein context (NP_055132.2, residues 15-35): KPAARSPGPG[Ser25Phe]PGRAGPLGPS

ClinVar aggregate classification (germline): Uncertain significance. Review status: criteria provided, multiple submitters, no conflicts (2 of 4 stars). 2 submissions from 2 submitters: Uncertain significance (2). Last evaluated 2024-09-27.

gnomAD v4.1: 7 of 1,307,564 alleles (0.00054%); highest among the groups gnomAD compares: South Asian, 0.0069%; no homozygotes.

Submissions (2):

GeneDx
Classification: Uncertain significance. Last evaluated: 2024-09-27. Review status: criteria provided, single submitter. Criteria: GeneDx Variant Classification Process June 2021. Collection method: clinical testing. Allele origin: germline. Affected: yes.
Comment: Not observed at significant frequency in large population cohorts (gnomAD); In silico analysis indicates that this missense variant does not alter protein structure/function; Has not been previously published as pathogenic or benign to our knowledge

Labcorp Genetics (formerly Invitae), Labcorp
Classification: Uncertain significance. Last evaluated: 2022-11-01. Review status: criteria provided, single submitter. Criteria: Invitae Variant Classification Sherloc (09022015). Collection method: clinical testing. Allele origin: germline.
Comment: This sequence change replaces serine with phenylalanine at codon 25 of the PDSS1 protein (p.Ser25Phe). The serine residue is weakly conserved and there is a large physicochemical difference between serine and phenylalanine. This variant is not present in population databases (gnomAD no frequency). This variant has not been reported in the literature in individuals affected with PDSS1-related conditions. ClinVar contains an entry for this variant (Variation ID: 214980). Algorithms developed to predict the effect of missense changes on protein structure and function are either unavailable or do not agree on the potential impact of this missense change (SIFT: "Not Available"; PolyPhen-2: "Benign"; Align-GVGD: "Not Available"). In summary, the available evidence is currently insufficient to determine the role of this variant in disease. Therefore, it has been classified as a Variant of Uncertain Significance.